The following is an entry in ClinVar:

ClinVar aggregate classification (germline): Uncertain significance (1 of 4 stars; one submission).

Conditions:
DICER1-related tumor predisposition. Also called: DICER1-related pleuropulmonary blastoma cancer predisposition syndrome; DICER1 syndrome. Identifiers: Orphanet 284343, MedGen C3839822, MONDO:0100216.

Submission:

Labcorp Genetics (formerly Invitae), Labcorp
Classification: Uncertain significance for DICER1-related tumor predisposition. Last evaluated: 2023-12-08. Review status: criteria provided, single submitter. Criteria: Invitae Variant Classification Sherloc (09022015). Collection method: clinical testing. Allele origin: germline.
Comment: This sequence change replaces arginine, which is basic and polar, with serine, which is neutral and polar, at codon 1194 of the DICER1 protein (p.Arg1194Ser). This variant is not present in population databases (gnomAD no frequency). This variant has not been reported in the literature in individuals affected with DICER1-related conditions. An algorithm developed to predict the effect of missense changes on protein structure and function (PolyPhen-2) suggests that this variant is likely to be tolerated. In summary, the available evidence is currently insufficient to determine the role of this variant in disease. Therefore, it has been classified as a Variant of Uncertain Significance.

NM_177438.3(DICER1):c.3582A>C (p.Arg1194Ser)

Gene: DICER1 (dicer 1, ribonuclease III; minus strand). Cytogenetic location: 14q32.13.
Variant type: single nucleotide variant.
Coding change: c.3582A>C on transcript NM_177438.3 (MANE Select); coding-DNA position 3582, A replaced by C.
Protein change: p.Arg1194Ser; replaces arginine 1194 with serine.
Molecular consequence: missense variant. On other transcripts: non-coding transcript variant (6).
Genome position (GRCh38, 1-based): chr14:95,103,814, T>G on the plus strand (A>C on the coding strand, the complement: DICER1 is on the minus strand). VCF-style: chr14-95103814-T-G. GRCh37 (hg19) VCF-style: chr14-95570151-T-G.
Other names: c.3582A>C, p.Arg1194Ser (NM_001195573.1, NM_001271282.3, NM_001291628.2 and 13 more transcripts); c.3300A>C, p.Arg1100Ser (NM_001395686.1); c.3177A>C, p.Arg1059Ser (NM_001395687.1, NM_001395688.1, NM_001395689.1 and 2 more transcripts); c.3015A>C, p.Arg1005Ser (NM_001395691.1); c.1899A>C, p.Arg633Ser (NM_001395697.1); short protein forms R1194S, R633S, R1005S, R1059S, R1100S.
Identifiers: ClinVar variation 2872156 (VCV002872156.3), dbSNP rs2139964791, ClinGen allele CA390874832.